The following is an entry in ClinVar:

NM_024577.4(SH3TC2):c.2302C>T (p.Leu768Phe)

Gene: SH3TC2 (SH3 domain and tetratricopeptide repeats 2; minus strand). Cytogenetic location: 5q32.
Variant type: single nucleotide variant.
Coding change: c.2302C>T on transcript NM_024577.4 (MANE Select); coding-DNA position 2302, C replaced by T.
Protein change: p.Leu768Phe; replaces leucine 768 with phenylalanine.
Molecular consequence: missense variant.
Genome position (GRCh38, 1-based): chr5:149,027,430, G>A on the plus strand (C>T on the coding strand, the complement: SH3TC2 is on the minus strand). VCF-style: chr5-149027430-G-A. GRCh37 (hg19) VCF-style: chr5-148406993-G-A.
Other names: short protein forms L768F.
Identifiers: ClinVar variation 2119400 (VCV002119400.4), dbSNP rs2531772151, ClinGen allele CA361666650.

ClinVar aggregate classification (germline): Uncertain significance (1 of 4 stars; one submission).

Conditions:
Charcot-Marie-Tooth disease type 4. Also called: Charcot-Marie-Tooth disease, type IV; Charcot-Marie-Tooth, Type 4. Identifiers: Orphanet 64749, MedGen C4082197, MONDO:0018995.

Submission:

Labcorp Genetics (formerly Invitae), Labcorp
Classification: Uncertain significance for Charcot-Marie-Tooth disease type 4. Last evaluated: 2022-03-29. Review status: criteria provided, single submitter. Criteria: Invitae Variant Classification Sherloc (09022015). Collection method: clinical testing. Allele origin: germline.
Comment: This sequence change replaces leucine, which is neutral and non-polar, with phenylalanine, which is neutral and non-polar, at codon 768 of the SH3TC2 protein (p.Leu768Phe). This variant is not present in population databases (gnomAD no frequency). This variant has not been reported in the literature in individuals affected with SH3TC2-related conditions. Advanced modeling of protein sequence and biophysical properties (such as structural, functional, and spatial information, amino acid conservation, physicochemical variation, residue mobility, and thermodynamic stability) performed at Invitae indicates that this missense variant is not expected to disrupt SH3TC2 protein function. In summary, the available evidence is currently insufficient to determine the role of this variant in disease. Therefore, it has been classified as a Variant of Uncertain Significance.